The following is an entry in ClinVar:

ClinVar aggregate classification (germline): Pathogenic. Review status: criteria provided, multiple submitters, no conflicts (2 of 4 stars). 2 submissions from 2 submitters: Pathogenic (2). Last evaluated 2025-09-23.

Conditions:
Neurodevelopmental-craniofacial syndrome with variable renal and cardiac abnormalities. Identifiers: MedGen C5561984, MONDO:0859190, OMIM 619522.

Submissions (2):

Institute of Human Genetics, FAU Erlangen, Friedrich-Alexander-Universität Erlangen-Nürnberg
Classification: Pathogenic for Neurodevelopmental-craniofacial syndrome with variable renal and cardiac abnormalities. Last evaluated: 2025-09-23. Review status: criteria provided, single submitter. Criteria: Hauer et al. (Genet Med. 2018). Collection method: clinical testing. Allele origin: germline. Inheritance: Autosomal dominant inheritance. Affected: yes. Observed: 1 variant allele.
Comment: This variant has been identified by standard clinical testing. Selected ACMG criteria: Pathogenic (I):PP5;PM2;PS2;PVS1

GeneDx
Classification: Pathogenic. Last evaluated: 2025-05-14. Review status: criteria provided, single submitter. Criteria: GeneDx Variant Classification Process June 2021. Collection method: clinical testing. Allele origin: germline.
Comment: Frameshift variant predicted to result in protein truncation or nonsense mediated decay in a gene for which loss of function is a known mechanism of disease; Not observed at significant frequency in large population cohorts (gnomAD); Has not been previously published as pathogenic or benign to our knowledge

NM_197968.4(ZMYM2):c.2098_2099del (p.Lys700fs)

Gene: ZMYM2 (zinc finger MYM-type containing 2; plus strand). Cytogenetic location: 13q12.11.
Variant type: Deletion.
Coding change: c.2098_2099del on transcript NM_197968.4 (MANE Select); coding-DNA positions 2098 to 2099, 2 bases deleted (AA; older notation c.2098_2099delAA).
Protein change: p.Lys700fs; shifts the reading frame from lysine 700.
Molecular consequence: frameshift variant. On other transcripts: non-coding transcript variant (1).
Genome position (GRCh38, 1-based): chr13:20,034,383-20,034,384, AA deleted. VCF-style (leftmost placement, unchanged base first): chr13-20034382-TAA-T. GRCh37 (hg19) VCF-style: chr13-20608522-TAA-T.
Other names: c.2098_2099del, p.Lys700fs (NM_001190964.4, NM_001190965.4, NM_001353157.2 and 5 more transcripts); c.1903_1904del, p.Lys635fs (NM_001353161.3); c.1837_1838del, p.Lys613fs (NM_001353163.2); short protein forms K613fs, K635fs, K700fs.
Identifiers: ClinVar variation 3898899 (VCV003898899.2).